The following is an entry in ClinVar:

NM_001278116.2(L1CAM):c.366dup (p.Ala123fs)

Gene: L1CAM (L1 cell adhesion molecule; minus strand). Cytogenetic location: Xq28.
Variant type: Duplication.
Coding change: c.366dup on transcript NM_001278116.2 (MANE Select); coding-DNA position 366, one base duplicated (C; older notation c.366dupC).
Protein change: p.Ala123fs; shifts the reading frame from alanine 123.
Molecular consequence: frameshift variant.
Genome position (GRCh38, 1-based): chrX:153,872,186, G duplicated on the plus strand (C on the coding strand, the reverse complement: L1CAM is on the minus strand); the first of 2 consecutive G bases (chrX:153,872,186-153,872,187); duplicating either gives the same sequence. VCF-style (leftmost placement, unchanged base first): chrX-153872185-C-CG. GRCh37 (hg19) VCF-style: chrX-153137640-C-CG.
Other names: c.366dup, p.Ala123fs (NM_000425.5, NM_024003.3); c.351dup, p.Ala118fs (NM_001143963.2); short protein forms A118fs, A123fs.
Identifiers: ClinVar variation 3344595 (VCV003344595.1).

ClinVar aggregate classification (germline): Likely pathogenic (0 of 4 stars; one submission).

Conditions:
L1CAM-related disorder. Also called: L1CAM-related condition.

Submission:

PreventionGenetics, part of Exact Sciences
Classification: Likely pathogenic for L1CAM-related condition. Last evaluated: 2024-09-26. Review status: no assertion criteria provided. Collection method: clinical testing. Allele origin: germline.
Comment: The L1CAM c.366dupC variant is predicted to result in a frameshift and premature protein termination (p.Ala123Argfs*5). To our knowledge, this variant has not been reported in the literature or in a large population database, indicating this variant is rare. Frameshift variants in L1CAM are expected to be pathogenic. This variant is interpreted as likely pathogenic.